The following is an entry in ClinVar:

NM_006734.4(HIVEP2):c.1824C>T (p.Val608=)

Gene: HIVEP2 (HIVEP zinc finger 2; minus strand). Cytogenetic location: 6q24.2.
Variant type: single nucleotide variant.
Coding change: c.1824C>T on transcript NM_006734.4 (MANE Select); coding-DNA position 1824, C replaced by T.
Protein change: p.Val608=; no amino-acid change (valine 608 retained).
Molecular consequence: synonymous variant.
Genome position (GRCh38, 1-based): chr6:142,772,915, G>A on the plus strand (C>T on the coding strand, the complement: HIVEP2 is on the minus strand). VCF-style: chr6-142772915-G-A. GRCh37 (hg19) VCF-style: chr6-143094052-G-A.
Other names: c.1824C>T (NM_006734.3).
Identifiers: ClinVar variation 2413551 (VCV002413551.10), dbSNP rs368746943, ClinGen allele CA4028527.
Genomic context (GRCh38, chr6:142,772,915, plus strand): 5'-CAATTTCTTTTCCTTCAGGGATGAACTGCTGATACCCTTCAACATCCTGCCATGGTGCTC[G>A]ACTTCCACGTGGCCCTCCTGTACCGAAGGCAGCTCAAATGCCGCTTGTCTTCTTAGCATG-3'
Protein context (NP_006725.3, residues 598-618): LPSVQEGHVE[Val608=]EHHGRMLKGI

ClinVar aggregate classification (germline): Benign/Likely benign. Review status: criteria provided, multiple submitters, no conflicts (2 of 4 stars). 3 submissions from 3 submitters: Benign (1); Likely benign (1). 1 of the submissions does not count toward it. Last evaluated 2026-06-17.

Conditions:
HIVEP2-related disorder. Also called: HIVEP2-related condition.

Allele frequency attached by ClinVar (database versions not stated): TOPMed 0.00008; gnomAD exomes 0.00003; gnomAD 0.00005; ESP Exome Variant Server 0.00016; ExAC 0.00002.
gnomAD v4.1: 48 of 1,614,016 alleles (0.003%); highest among the groups gnomAD compares: African/African-American, 0.017%; no homozygotes.

Submissions (3):

Women's Health and Genetics/Laboratory Corporation of America, LabCorp
Classification: Likely benign. Last evaluated: 2026-06-17. Review status: criteria provided, single submitter. Criteria: LabCorp Variant Classification Summary - May 2015. Collection method: clinical testing. Allele origin: germline.

Labcorp Genetics (formerly Invitae), Labcorp
Classification: Benign. Last evaluated: 2025-11-09. Review status: criteria provided, single submitter. Criteria: Invitae Variant Classification Sherloc (09022015). Collection method: clinical testing. Allele origin: germline.

PreventionGenetics, part of Exact Sciences
Classification: Likely benign for HIVEP2-related condition. Last evaluated: 2020-01-20. Review status: no assertion criteria provided. Collection method: clinical testing. Allele origin: germline. Not counted in ClinVar's aggregate classification.
Comment: This variant is classified as likely benign based on ACMG/AMP sequence variant interpretation guidelines (Richards et al. 2015 PMID: 25741868, with internal and published modifications).